The following is an entry in ClinVar:

ClinVar aggregate classification (germline): Uncertain significance (1 of 4 stars; one submission).

Conditions:
Progressive sclerosing poliodystrophy (MTDPS4A). Also called: ALPERS PROGRESSIVE INFANTILE POLIODYSTROPHY; NEURONAL DEGENERATION OF CHILDHOOD WITH LIVER DISEASE, PROGRESSIVE; Alpers Syndrome; ALPERS DIFFUSE DEGENERATION OF CEREBRAL GRAY MATTER WITH HEPATIC CIRRHOSIS; Alpers-Huttenlocher Syndrome; Mitochondrial DNA depletion syndrome 4A (Alpers type). Identifiers: Orphanet 726, MedGen C0205710, MONDO:0008758, OMIM 203700.

Submission:

Labcorp Genetics (formerly Invitae), Labcorp
Classification: Uncertain significance for Progressive sclerosing poliodystrophy. Last evaluated: 2024-09-27. Review status: criteria provided, single submitter. Criteria: Invitae Variant Classification Sherloc (09022015). Collection method: clinical testing. Allele origin: germline.
Comment: This sequence change replaces proline, which is neutral and non-polar, with threonine, which is neutral and polar, at codon 340 of the POLG protein (p.Pro340Thr). This variant is not present in population databases (gnomAD no frequency). This variant has not been reported in the literature in individuals affected with POLG-related conditions. Invitae Evidence Modeling of protein sequence and biophysical properties (such as structural, functional, and spatial information, amino acid conservation, physicochemical variation, residue mobility, and thermodynamic stability) has been performed for this missense variant. However, the output from this modeling did not meet the statistical confidence thresholds required to predict the impact of this variant on POLG protein function. In summary, the available evidence is currently insufficient to determine the role of this variant in disease. Therefore, it has been classified as a Variant of Uncertain Significance.

NM_002693.3(POLG):c.1018C>A (p.Pro340Thr)

Gene: POLG (DNA polymerase gamma, catalytic subunit; minus strand). Cytogenetic location: 15q26.1.
Variant type: single nucleotide variant.
Coding change: c.1018C>A on transcript NM_002693.3 (MANE Select); coding-DNA position 1018, C replaced by A.
Protein change: p.Pro340Thr; replaces proline 340 with threonine.
Molecular consequence: missense variant.
Genome position (GRCh38, 1-based): chr15:89,328,948, G>T on the plus strand (C>A on the coding strand, the complement: POLG is on the minus strand). VCF-style: chr15-89328948-G-T. GRCh37 (hg19) VCF-style: chr15-89872179-G-T.
Other names: c.1018C>A, p.Pro340Thr (NM_001126131.2); short protein forms P340T.
Identifiers: ClinVar variation 3636646 (VCV003636646.2).